The following is an entry in ClinVar:

NM_005055.5(RAPSN):c.935C>T (p.Ala312Val)

Gene: RAPSN (receptor associated protein of the synapse; minus strand). Cytogenetic location: 11p11.2.
Variant type: single nucleotide variant.
Coding change: c.935C>T on transcript NM_005055.5 (MANE Select); coding-DNA position 935, C replaced by T.
Protein change: p.Ala312Val; replaces alanine 312 with valine.
Molecular consequence: missense variant. On other transcripts: intron variant (1).
Genome position (GRCh38, 1-based): chr11:47,441,190, G>A on the plus strand (C>T on the coding strand, the complement: RAPSN is on the minus strand). VCF-style: chr11-47441190-G-A. GRCh37 (hg19) VCF-style: chr11-47462741-G-A.
Other names: c.789+633C>T (NM_032645.5); short protein forms A312V.
Identifiers: ClinVar variation 1958821 (VCV001958821.2), dbSNP rs369486243, ClinGen allele CA221715602.

ClinVar aggregate classification (germline): Uncertain significance (1 of 4 stars; one submission).

Conditions:
Congenital myasthenic syndrome 11. Also called: MYASTHENIC SYNDROME, CONGENITAL, Ie; Myasthenic syndrome, congenital, 11, associated with acetylcholine receptor deficiency. Identifiers: Orphanet 590, MedGen C4225367, MONDO:0014588, OMIM 616326.
Fetal akinesia deformation sequence 1 (FADS1). Also called: Pena-Shokeir syndrome type I; Fetal akinesia sequence. Identifiers: Orphanet 994, MedGen C1276035, MONDO:0100101, OMIM 208150, HP:0001989.

Allele frequency attached by ClinVar (database versions not stated): gnomAD exomes below 0.00001; ESP Exome Variant Server 0.00008.
gnomAD v4.1: 1 of 1,614,034 alleles (0.000062%); highest among the groups gnomAD compares: African/African-American, 0.0013%; no homozygotes.

Submission:

Labcorp Genetics (formerly Invitae), Labcorp
Classification: Uncertain significance for Congenital myasthenic syndrome 11; Fetal akinesia deformation sequence 1. Last evaluated: 2022-08-22. Review status: criteria provided, single submitter. Criteria: Invitae Variant Classification Sherloc (09022015). Collection method: clinical testing. Allele origin: germline.
Comment: This sequence change replaces alanine, which is neutral and non-polar, with valine, which is neutral and non-polar, at codon 312 of the RAPSN protein (p.Ala312Val). This variant is not present in population databases (gnomAD no frequency). This variant has not been reported in the literature in individuals affected with RAPSN-related conditions. Advanced modeling of protein sequence and biophysical properties (such as structural, functional, and spatial information, amino acid conservation, physicochemical variation, residue mobility, and thermodynamic stability) performed at Invitae indicates that this missense variant is expected to disrupt RAPSN protein function. In summary, the available evidence is currently insufficient to determine the role of this variant in disease. Therefore, it has been classified as a Variant of Uncertain Significance.